The following is an entry in ClinVar:

ClinVar aggregate classification (germline): Likely pathogenic (1 of 4 stars; one submission).

Submission:

Labcorp Genetics (formerly Invitae), Labcorp
Classification: Likely pathogenic. Last evaluated: 2024-02-24. Review status: criteria provided, single submitter. Criteria: Invitae Variant Classification Sherloc (09022015). Collection method: clinical testing. Allele origin: germline.
Comment: This sequence change affects an acceptor splice site in intron 42 of the COL11A2 gene. It is expected to disrupt RNA splicing. Variants that disrupt the donor or acceptor splice site typically lead to a loss of protein function (PMID: 16199547), and loss-of-function variants in COL11A2 are known to be pathogenic (PMID: 10677296, 21204229). This variant is not present in population databases (gnomAD no frequency). Disruption of this splice site has been observed in individual(s) with autosomal dominant non-syndromic hearing loss (PMID: 26969326). This variant is also known as c.2830-2A>G. ClinVar contains an entry for this variant (Variation ID: 1465642). Algorithms developed to predict the effect of sequence changes on RNA splicing suggest that this variant may disrupt the consensus splice site. In summary, the currently available evidence indicates that the variant is pathogenic, but additional data are needed to prove that conclusively. Therefore, this variant has been classified as Likely Pathogenic.

Literature cited by the submitters: PubMed 16199547; PubMed 10677296; PubMed 21204229; PubMed 26969326.

NM_080680.3(COL11A2):c.3151-2A>G

Gene: COL11A2 (collagen type XI alpha 2 chain; minus strand). Cytogenetic location: 6p21.32.
Variant type: single nucleotide variant.
Coding change: c.3151-2A>G on transcript NM_080680.3 (MANE Select); the canonical splice acceptor site of the intron before coding-DNA position 3151, A replaced by G.
Molecular consequence: splice acceptor variant.
Genome position (GRCh38, 1-based): chr6:33,171,576, T>C on the plus strand (A>G on the coding strand, the complement: COL11A2 is on the minus strand). VCF-style: chr6-33171576-T-C. GRCh37 (hg19) VCF-style: chr6-33139353-T-C.
Other names: c.2830-2A>G (NM_080679.3); c.2893-2A>G (NM_080681.3).
Identifiers: ClinVar variation 1465642 (VCV001465642.8), dbSNP rs2150546942, ClinGen allele CA363636293.
Genomic context (GRCh38, chr6:33,171,576, plus strand): 5'-AGCCCCACAGGACCCTGCACTCCATCTCGGCCAGTCGGGCCAATGGGGCCCTTCTCACCC[T>C]GTGGGACAGGAGGAAGGAGTCATGGCCTGGAGGTGACCCTCACCCTCAAACACCCCACAG-3'